The following is an entry in ClinVar:

NM_020949.3(SLC7A14):c.1960A>C (p.Thr654Pro)

Genes: SLC7A14 (solute carrier family 7 member 14; minus strand), SLC7A14-AS1 (SLC7A14 antisense RNA 1; plus strand). Cytogenetic location: 3q26.2.
Variant type: single nucleotide variant.
Coding change: c.1960A>C on transcript NM_020949.3 (MANE Select); coding-DNA position 1960, A replaced by C.
Protein change: p.Thr654Pro; replaces threonine 654 with proline.
Molecular consequence: missense variant.
Genome position (GRCh38, 1-based): chr3:170,480,322, T>G on the plus strand (A>C on the coding strand, the complement: SLC7A14 is on the minus strand). VCF-style: chr3-170480322-T-G. GRCh37 (hg19) VCF-style: chr3-170198111-T-G.
Other names: short protein forms T654P.
Identifiers: ClinVar variation 2726483 (VCV002726483.3), dbSNP rs1209007916, ClinGen allele CA355488335.
Genomic context (GRCh38, chr3:170,480,322, plus strand): 5'-CTTAAGGCTCCAAAGGAAGTTGCTTACCCACAAAGCACCAGACCGCAAACCGGATCCATG[T>G]GATGGTGGAGAGCTTTAGCATGAGATAGATGTTCACCAGCATGGCAAAGGCAGGCACAAA-3'
Protein context (NP_066000.2, residues 644-664): IYLMLKLSTI[Thr654Pro]WIRFAVWCFV

ClinVar aggregate classification (germline): Uncertain significance (1 of 4 stars; one submission).

Allele frequency attached by ClinVar (database versions not stated): gnomAD exomes below 0.00001.
gnomAD v4.1: 1 of 1,551,056 alleles (0.000064%); highest among the groups gnomAD compares: Non-Finnish European, 0.000087%; no homozygotes.

Submission:

Labcorp Genetics (formerly Invitae), Labcorp
Classification: Uncertain significance. Last evaluated: 2024-05-08. Review status: criteria provided, single submitter. Criteria: Invitae Variant Classification Sherloc (09022015). Collection method: clinical testing. Allele origin: germline.
Comment: This sequence change replaces threonine, which is neutral and polar, with proline, which is neutral and non-polar, at codon 654 of the SLC7A14 protein (p.Thr654Pro). This variant is present in population databases (no rsID available, gnomAD 0.001%). This variant has not been reported in the literature in individuals affected with SLC7A14-related conditions. An algorithm developed to predict the effect of missense changes on protein structure and function (PolyPhen-2) suggests that this variant is likely to be disruptive. In summary, the available evidence is currently insufficient to determine the role of this variant in disease. Therefore, it has been classified as a Variant of Uncertain Significance.